The following is an entry in ClinVar:

ClinVar aggregate classification (germline): Uncertain significance. Review status: criteria provided, multiple submitters, no conflicts (2 of 4 stars). 2 submissions from 2 submitters: Uncertain significance (2). Last evaluated 2023-05-24.

Conditions:
Fanconi anemia (FA). Also called: Fanconi's anemia. Identifiers: Orphanet 84, MedGen C0015625, MeSH D005199, MONDO:0019391.

Allele frequency attached by ClinVar (database versions not stated): gnomAD exomes below 0.00001; ExAC 0.00001.
gnomAD v4.1: 7 of 1,613,692 alleles (0.00043%); highest among the groups gnomAD compares: Non-Finnish European, 0.00051%; no homozygotes.

Submissions (2):

GeneDx
Classification: Uncertain significance. Last evaluated: 2023-05-24. Review status: criteria provided, single submitter. Criteria: GeneDx Variant Classification Process June 2021. Collection method: clinical testing. Allele origin: germline. Affected: yes.
Comment: Not observed at significant frequency in large population cohorts (gnomAD); In silico analysis supports that this missense variant has a deleterious effect on protein structure/function; Has not been previously published as pathogenic or benign to our knowledge

Labcorp Genetics (formerly Invitae), Labcorp
Classification: Uncertain significance for Fanconi anemia. Last evaluated: 2022-10-10. Review status: criteria provided, single submitter. Criteria: Invitae Variant Classification Sherloc (09022015). Collection method: clinical testing. Allele origin: germline.
Comment: This sequence change replaces threonine, which is neutral and polar, with isoleucine, which is neutral and non-polar, at codon 1924 of the FANCM protein (p.Thr1924Ile). This variant is present in population databases (rs768791297, gnomAD 0.002%). This variant has not been reported in the literature in individuals affected with FANCM-related conditions. Algorithms developed to predict the effect of missense changes on protein structure and function are either unavailable or do not agree on the potential impact of this missense change (SIFT: "Deleterious"; PolyPhen-2: "Benign"; Align-GVGD: "Class C0"). In summary, the available evidence is currently insufficient to determine the role of this variant in disease. Therefore, it has been classified as a Variant of Uncertain Significance.

NM_020937.4(FANCM):c.5771C>T (p.Thr1924Ile)

Gene: FANCM (FA complementation group M; plus strand). Cytogenetic location: 14q21.2.
Variant type: single nucleotide variant.
Coding change: c.5771C>T on transcript NM_020937.4 (MANE Select); coding-DNA position 5771, C replaced by T.
Protein change: p.Thr1924Ile; replaces threonine 1924 with isoleucine.
Molecular consequence: missense variant.
Genome position (GRCh38, 1-based): chr14:45,198,698, C>T. VCF-style: chr14-45198698-C-T. GRCh37 (hg19) VCF-style: chr14-45667901-C-T.
Other names: c.5693C>T, p.Thr1898Ile (NM_001308133.2); short protein forms T1924I, T1898I.
Identifiers: ClinVar variation 2203574 (VCV002203574.5), dbSNP rs768791297, ClinGen allele CA7170067.